The following is an entry in ClinVar:

NM_005739.4(RASGRP1):c.1581G>A (p.Met527Ile)

Gene: RASGRP1 (RAS guanyl releasing protein 1; minus strand). Cytogenetic location: 15q14.
Variant type: single nucleotide variant.
Coding change: c.1581G>A on transcript NM_005739.4 (MANE Select); coding-DNA position 1581, G replaced by A.
Protein change: p.Met527Ile; replaces methionine 527 with isoleucine.
Molecular consequence: missense variant.
Genome position (GRCh38, 1-based): chr15:38,501,245, C>T on the plus strand (G>A on the coding strand, the complement: RASGRP1 is on the minus strand). VCF-style: chr15-38501245-C-T. GRCh37 (hg19) VCF-style: chr15-38793446-C-T.
Other names: c.1476G>A, p.Met492Ile (NM_001128602.2, NM_001306086.2); short protein forms M492I, M527I.
Identifiers: ClinVar variation 3618660 (VCV003618660.2).
Genomic context (GRCh38, chr15:38,501,245, plus strand): 5'-GGTCTCTTGGAAGTTGTGAGGAAAGCCCAGGCCCAGCTTGGAATAGATTGAGCTGGCTCT[C>T]ATGAAGTAGGCTGTGATCTCATCCCTGCTGATGAGGCCTTCCCTGCCGGCAGATGACCAA-3'
Protein context (NP_005730.2, residues 517-537): ISRDEITAYF[Met527Ile]RASSIYSKLG

ClinVar aggregate classification (germline): Uncertain significance (1 of 4 stars; one submission).

gnomAD v4.1: 3 of 1,613,060 alleles (0.00019%); highest among the groups gnomAD compares: South Asian, 0.0011%; no homozygotes.

Submission:

Labcorp Genetics (formerly Invitae), Labcorp
Classification: Uncertain significance. Last evaluated: 2025-07-14. Review status: criteria provided, single submitter. Criteria: Invitae Variant Classification Sherloc (09022015). Collection method: clinical testing. Allele origin: germline.
Comment: This sequence change replaces methionine, which is neutral and non-polar, with isoleucine, which is neutral and non-polar, at codon 527 of the RASGRP1 protein (p.Met527Ile). This variant is present in population databases (rs748926334, gnomAD 0.003%). This variant has not been reported in the literature in individuals affected with RASGRP1-related conditions. ClinVar contains an entry for this variant (Variation ID: 3618660). Invitae Evidence Modeling of protein sequence and biophysical properties (such as structural, functional, and spatial information, amino acid conservation, physicochemical variation, residue mobility, and thermodynamic stability) indicates that this missense variant is not expected to disrupt RASGRP1 protein function with a negative predictive value of 80%. In summary, the available evidence is currently insufficient to determine the role of this variant in disease. Therefore, it has been classified as a Variant of Uncertain Significance.